The following is an entry in ClinVar:

ClinVar aggregate classification (germline): Uncertain significance (1 of 4 stars; one submission).

Conditions:
Glycogen storage disease type III (GSD3). Also called: FORBES DISEASE; Cori disease. Identifiers: Orphanet 366, MedGen C0017922, MONDO:0009291, OMIM 232400.

Submission:

Labcorp Genetics (formerly Invitae), Labcorp
Classification: Uncertain significance for Glycogen storage disease type III. Last evaluated: 2022-03-26. Review status: criteria provided, single submitter. Criteria: Invitae Variant Classification Sherloc (09022015). Collection method: clinical testing. Allele origin: germline.
Comment: This sequence change replaces tryptophan, which is neutral and slightly polar, with glycine, which is neutral and non-polar, at codon 299 of the AGL protein (p.Trp299Gly). Information on the frequency of this variant in the gnomAD database is not available, as this variant may be reported differently in the database. This variant has not been reported in the literature in individuals affected with AGL-related conditions. Experimental studies and prediction algorithms are not available or were not evaluated, and the functional significance of this variant is currently unknown. In summary, the available evidence is currently insufficient to determine the role of this variant in disease. Therefore, it has been classified as a Variant of Uncertain Significance.

NM_000642.3(AGL):c.894_895delinsTG (p.Trp299Gly)

Gene: AGL (amylo-alpha-1,6-glucosidase and 4-alpha-glucanotransferase; plus strand). Cytogenetic location: 1p21.2.
Variant type: Indel.
Coding change: c.894_895delinsTG on transcript NM_000642.3 (MANE Select); coding-DNA positions 894 to 895, CT replaced by TG.
Protein change: p.Trp299Gly; replaces tryptophan 299 with glycine.
Molecular consequence: missense variant.
Genome position (GRCh38, 1-based): chr1:99,870,805-99,870,806, CT replaced by TG. VCF-style: chr1-99870805-CT-TG. GRCh37 (hg19) VCF-style: chr1-100336361-CT-TG.
Other names: c.894_895delCTinsTG, p.Trp299Gly (NM_000028.3, NM_000644.3, NM_001425325.1 and 3 more transcripts); c.846_847delCTinsTG, p.Trp283Gly (NM_000646.3); c.690_691delCTinsTG, p.Trp231Gly (NM_001425328.1, NM_001425329.1); c.516_517delCTinsTG, p.Trp173Gly (NM_001425332.1); short protein forms W283G, W299G, W173G, W231G.
Identifiers: ClinVar variation 2176647 (VCV002176647.1), dbSNP rs2101113438, ClinGen allele CA2580063391.